The following is an entry in ClinVar:

NM_003356.4(UCP3):c.135_157del (p.Glu46fs)

Gene: UCP3 (uncoupling protein 3; minus strand). Cytogenetic location: 11q13.4.
Variant type: Deletion.
Coding change: c.135_157del on transcript NM_003356.4 (MANE Select); coding-DNA positions 135 to 157, 23 bases deleted (GGAGAACCAGGCGGTCCAGACGG).
Protein change: p.Glu46fs; shifts the reading frame from glutamic acid 46.
Molecular consequence: frameshift variant.
Genome position (GRCh38, 1-based): chr11:74,006,349-74,006,371, CCGTCTGGACCGCCTGGTTCTCC deleted on the plus strand (GGAGAACCAGGCGGTCCAGACGG on the coding strand, the reverse complement: UCP3 is on the minus strand); deleting any 23 consecutive bases within chr11:74,006,349-74,006,373 gives the same sequence; the c. name uses the placement nearest the transcript's 3' end. VCF-style (leftmost placement, unchanged base first): chr11-74006348-GCCGTCTGGACCGCCTGGTTCTCC-G. GRCh37 (hg19) VCF-style: chr11-73717393-GCCGTCTGGACCGCCTGGTTCTCC-G.
Other names: c.135_157del, p.Glu46fs (NM_022803.3); short protein forms E46fs.
Identifiers: ClinVar variation 3349881 (VCV003349881.1).

ClinVar aggregate classification (germline): Uncertain significance (0 of 4 stars; one submission).

Conditions:
UCP3-related disorder. Also called: UCP3-related condition.

Submission:

PreventionGenetics, part of Exact Sciences
Classification: Uncertain significance for UCP3-related condition. Last evaluated: 2024-03-15. Review status: no assertion criteria provided. Collection method: clinical testing. Allele origin: germline.
Comment: The UCP3 c.135_157del23 variant is predicted to result in a frameshift and premature protein termination (p.Glu46Profs*19). To our knowledge, this variant has not been reported in the literature or in a large population database, indicating this variant is rare. Although we suspect that this variant may be pathogenic, at this time, the clinical significance of this variant is uncertain due to the absence of conclusive functional and genetic evidence.